The following is an entry in ClinVar:

ClinVar aggregate classification (germline): Likely pathogenic (1 of 4 stars; one submission).

Conditions:
Lynch syndrome 5 (LYNCH5). Also called: Hereditary non-polyposis colorectal cancer, type 5; Colorectal cancer, hereditary nonpolyposis, type 5. Identifiers: Orphanet 144, MedGen C1833477, MONDO:0013710, OMIM 614350. Disease mechanism: loss of function.

Submission:

Servicio Canario de Salud, Hospital Universitario Nuestra Sra. de Candelaria
Classification: Likely pathogenic for Lynch syndrome 5. Last evaluated: 2025-04-28. Review status: criteria provided, single submitter. Criteria: ACMG Guidelines, 2015. Collection method: clinical testing. Allele origin: germline. Inheritance: Autosomal dominant inheritance. Affected: yes. Observed: 1 heterozygote.
Comment: The c.3284dup; This variant has never been reported in MSH6 related-disorders. This variant was absent from large population studies (gnomAD no frequency). In summary, the available evidence for c.3284dup; p.(His1096ProfsTer12) MSH6 variant meets our criteria to be classified as Likely Pathogenic based upon its absence from controls and the clinical correlation in this patient´s phenotype.

NM_000179.3(MSH6):c.3284dup (p.His1096fs)

Gene: MSH6 (mutS homolog 6; plus strand). Cytogenetic location: 2p16.3.
Variant type: Duplication.
Coding change: c.3284dup on transcript NM_000179.3 (MANE Select); coding-DNA position 3284, one base duplicated (G; older notation c.3284dupG).
Protein change: p.His1096fs; shifts the reading frame from histidine 1096.
Molecular consequence: frameshift variant. On other transcripts: non-coding transcript variant (5), intron variant (1).
Genome position (GRCh38, 1-based): chr2:47,803,531, G duplicated. VCF-style (leftmost placement, unchanged base first): chr2-47803530-C-CG. GRCh37 (hg19) VCF-style: chr2-48030669-C-CG.
Other names: c.2894dup, p.His966fs (NM_001281492.2); c.2378dup, p.His794fs (NM_001281493.2, NM_001281494.2, NM_001406811.1 and 6 more transcripts); c.3380dup, p.His1128fs (NM_001406795.1, NM_001406802.1); c.3284dup, p.His1096fs (NM_001406796.1, NM_001406800.1, NM_001406808.1 and 1 more transcripts); c.2987dup, p.His997fs (NM_001406797.1, NM_001406801.1, NM_001406805.1 and 10 more transcripts); c.2759dup, p.His921fs (NM_001406799.1, NM_001406806.1, NM_001406807.1); c.2420dup, p.His808fs (NM_001406803.1); c.3206dup, p.His1070fs (NM_001406804.1); and 7 more; short protein forms H1040fs, H1070fs, H1096fs, H1098fs, H1128fs, H23fs, H411fs, H45fs.
Identifiers: ClinVar variation 3893258 (VCV003893258.1).